The following is an entry in ClinVar:

NM_199420.4(POLQ):c.7412C>A (p.Thr2471Lys)

Gene: POLQ (DNA polymerase theta; minus strand). Cytogenetic location: 3q13.33.
Variant type: single nucleotide variant.
Coding change: c.7412C>A on transcript NM_199420.4 (MANE Select); coding-DNA position 7412, C replaced by A.
Protein change: p.Thr2471Lys; replaces threonine 2471 with lysine.
Molecular consequence: missense variant.
Genome position (GRCh38, 1-based): chr3:121,436,253, G>T on the plus strand (C>A on the coding strand, the complement: POLQ is on the minus strand). VCF-style: chr3-121436253-G-T. GRCh37 (hg19) VCF-style: chr3-121155100-G-T.
Other names: short protein forms T2471K.
Identifiers: ClinVar variation 3230155 (VCV003230155.1), dbSNP rs1254508521, ClinGen allele CA354096202.
Genomic context (GRCh38, chr3:121,436,253, plus strand): 5'-TGCTTCTGAATGTTAACTGTGGCTATTTTGACAATATCAGCTGCTGATCCTTGGACTATT[G>T]TGTTGATAGCTTGACGCTCAGCCTAGAAAAAACAATCAACAGGTGCTCCACCAGATATGC-3'
Protein context (NP_955452.3, residues 2461-2481): KAHAERQAIN[Thr2471Lys]IVQGSAADIV

ClinVar aggregate classification (germline): Uncertain significance (1 of 4 stars; one submission).

gnomAD v4.1: 1 of 1,613,834 alleles (0.000062%); highest among the groups gnomAD compares: Non-Finnish European, 0.000085%; no homozygotes.

Submission:

Ambry Genetics
Classification: Uncertain significance. Last evaluated: 2024-01-27. Review status: criteria provided, single submitter. Criteria: Ambry Variant Classification Scheme 2023. Collection method: clinical testing. Allele origin: germline.
Comment: The p.T2471K variant (also known as c.7412C>A), located in coding exon 28 of the POLQ gene, results from a C to A substitution at nucleotide position 7412. The threonine at codon 2471 is replaced by lysine, an amino acid with similar properties. This amino acid position is conserved. In addition, this alteration is predicted to be deleterious by in silico analysis. Based on the available evidence, the clinical significance of this alteration remains unclear.